The following is an entry in ClinVar:

NM_001384950.1(NLRC5):c.2075+113A>G

Gene: NLRC5 (NLR family CARD domain containing 5; plus strand). Cytogenetic location: 16q13.
Variant type: single nucleotide variant.
Coding change: c.2075+113A>G on transcript NM_001384950.1 (MANE Select); 113 bases into the intron after coding-DNA position 2075, A replaced by G.
Molecular consequence: intron variant.
Genome position (GRCh38, 1-based): chr16:57,027,131, A>G. VCF-style: chr16-57027131-A-G. GRCh37 (hg19) VCF-style: chr16-57061043-A-G.
Other names: c.2075+113A>G (NM_001384954.1, NM_001384953.1, NM_001384957.1 and 21 more transcripts); c.1904+113A>G (NM_001384972.1).
Identifiers: ClinVar variation 103157 (VCV000103157.2), dbSNP rs199475976, ClinGen allele CA230201.

ClinVar aggregate classification (germline): not provided (0 of 4 stars; one submission).

Allele frequency attached by ClinVar (database versions not stated): gnomAD 0.00001.
gnomAD v4.1: 1 of 1,274,596 alleles (0.000078%); highest among the groups gnomAD compares: East Asian, 0.0024%; no homozygotes.

Submission:

Human Evolutionary Genetics, Institut Pasteur
No classification provided. Review status: no classification provided. Collection method: not provided. Allele origin: germline.
ClinVar note: Converted during submission from untested to not provided.